The following is an entry in ClinVar:

NM_007294.4(BRCA1):c.5278-554GA[2]

Gene: BRCA1 (BRCA1 DNA repair associated; minus strand). Cytogenetic location: 17q21.31.
Variant type: Microsatellite.
Coding change: c.5278-554GA[2] on transcript NM_007294.4 (MANE Select); two copies in a row of the 2-base unit GA starting at c.5278-554; the reference has four copies in a row; two copies, 4 bases deleted.
Molecular consequence: intron variant.
Genome position (GRCh38, 1-based): chr17:43,051,664-43,051,667, TCTC deleted on the plus strand (GAGA on the coding strand, the reverse complement: BRCA1 is on the minus strand); deleting any 4 consecutive bases within chr17:43,051,664-43,051,672 gives the same sequence; the position shown is the placement nearest the transcript's 3' end. VCF-style (leftmost placement, unchanged base first): chr17-43051663-GTCTC-G. GRCh37 (hg19) VCF-style: chr17-41203680-GTCTC-G.
Other names: c.5278-550_5278-547del (NM_007294.3); c.1825-554GA[2] (NM_001408458.1, NM_001408461.1, NM_001408464.1 and 7 more transcripts); c.4387-554GA[2] (NM_001407967.1); c.4897-554GA[2] (NM_001407959.1); c.5011-554GA[2] (NM_001407931.1, NM_001407932.1, NM_001407928.1 and 4 more transcripts); c.5134-554GA[2] (NM_001407747.1, NM_001407745.1, NM_001407737.1 and 21 more transcripts); c.4894-554GA[2] (NM_001407962.1, NM_001407960.1); c.1465-554GA[2] (NM_001408512.1); and 75 more.
Identifiers: ClinVar variation 264832 (VCV000264832.2), dbSNP rs538015792, ClinGen allele CA10588187.

ClinVar aggregate classification (germline): Benign (3 of 4 stars; one submission).

Conditions:
Breast-ovarian cancer, familial, susceptibility to, 1 (BROVCA1). Also called: BRCA1 Hereditary Breast and Ovarian Cancer; OVARIAN CANCER, SUSCEPTIBILITY TO. Identifiers: Orphanet 145, MedGen C2676676, MONDO:0011450, OMIM 604370. Disease mechanism: loss of function.

Submission:

Evidence-based Network for the Interpretation of Germline Mutant Alleles (ENIGMA)
Classification: Benign for Breast-ovarian cancer, familial, susceptibility to, 1. Last evaluated: 2016-09-28. Review status: reviewed by expert panel. Criteria: ENIGMA BRCA1/2 Classification Criteria (2015). Collection method: curation. Allele origin: germline.
Comment: Class 1 not pathogenic based on frequency >1% in an outbred sampleset. Frequency 0.0144 (African), derived from 1000 genomes (2013-05-02).